The following is an entry in ClinVar:

NM_003919.3(SGCE):c.1238T>C (p.Leu413Ser)

Genes: CASD1 (CAS1 domain sialic acid O acetyltransferase 1; plus strand), SGCE (sarcoglycan epsilon; minus strand). Cytogenetic location: 7q21.3.
Variant type: single nucleotide variant.
Coding change: c.1238T>C on transcript NM_003919.3 (MANE Select); coding-DNA position 1238, T replaced by C.
Protein change: p.Leu413Ser; replaces leucine 413 with serine.
Molecular consequence: missense variant.
Genome position (GRCh38, 1-based): chr7:94,598,790, A>G on the plus strand (T>C on the coding strand, the complement: SGCE is on the minus strand). VCF-style: chr7-94598790-A-G. GRCh37 (hg19) VCF-style: chr7-94228102-A-G.
Other names: c.1211T>C, p.Leu404Ser (NM_001099400.2, NM_001346717.2); c.1238T>C, p.Leu413Ser (NM_001099401.2); c.1115T>C, p.Leu372Ser (NM_001301139.2); c.1346T>C, p.Leu449Ser (NM_001346713.2); c.1319T>C, p.Leu440Ser (NM_001346715.2); c.1151T>C, p.Leu384Ser (NM_001346719.2); c.965T>C, p.Leu322Ser (NM_001346720.2); c.1124T>C, p.Leu375Ser (NM_001362807.2); and 2 more; short protein forms L413S, L384S, L322S, L375S, L440S, L449S, L363S, L372S.
Identifiers: ClinVar variation 572333 (VCV000572333.8), dbSNP rs1562800480, ClinGen allele CA368228836.

ClinVar aggregate classification (germline): Uncertain significance (1 of 4 stars; one submission).

Conditions:
Myoclonic dystonia 11 (DYT11). Also called: Myoclonic dystonia; Dystonia 11; Dystonia, alcohol responsive; Hereditary essential myoclonus; SGCE Myoclonus-Dystonia; Myoclonus-Dystonia. Identifiers: Orphanet 36899, MedGen C1834570, MONDO:0008044, OMIM 159900.

Submission:

Labcorp Genetics (formerly Invitae), Labcorp
Classification: Uncertain significance for Myoclonic dystonia 11. Last evaluated: 2022-01-20. Review status: criteria provided, single submitter. Criteria: Invitae Variant Classification Sherloc (09022015). Collection method: clinical testing. Allele origin: germline.
Comment: In summary, the available evidence is currently insufficient to determine the role of this variant in disease. Therefore, it has been classified as a Variant of Uncertain Significance. Algorithms developed to predict the effect of missense changes on protein structure and function are either unavailable or do not agree on the potential impact of this missense change (SIFT: "Deleterious"; PolyPhen-2: "Probably Damaging"; Align-GVGD: "Class C0"). ClinVar contains an entry for this variant (Variation ID: 572333). This variant has not been reported in the literature in individuals affected with SGCE-related conditions. This variant is not present in population databases (gnomAD no frequency). This sequence change replaces leucine, which is neutral and non-polar, with serine, which is neutral and polar, at codon 413 of the SGCE protein (p.Leu413Ser).